The following is an entry in ClinVar:

NM_018972.4(GDAP1):c.32G>T (p.Ser11Ile)

Genes: GDAP1 (ganglioside induced differentiation associated protein 1; plus strand), LOC130000622 (ATAC-STARR-seq lymphoblastoid active region 27542; plus strand). Cytogenetic location: 8q21.11.
Variant type: single nucleotide variant.
Coding change: c.32G>T on transcript NM_018972.4 (MANE Select); coding-DNA position 32, G replaced by T.
Protein change: p.Ser11Ile; replaces serine 11 with isoleucine.
Molecular consequence: missense variant. On other transcripts: 5 prime UTR variant (2), intron variant (1).
Genome position (GRCh38, 1-based): chr8:74,350,493, G>T. VCF-style: chr8-74350493-G-T. GRCh37 (hg19) VCF-style: chr8-75262728-G-T.
Other names: c.-151G>T (NM_001362929.2); c.32G>T, p.Ser11Ile (NM_001362930.2, NM_001362931.2); c.-103G>T (NM_001362932.2); c.-64+21G>T (NM_001040875.4); short protein forms S11I.
Identifiers: ClinVar variation 3715911 (VCV003715911.2).

ClinVar aggregate classification (germline): Uncertain significance (1 of 4 stars; one submission).

Conditions:
Charcot-Marie-Tooth disease type 4A. Also called: Charcot-Marie-Tooth disease, demyelinating, autosomal recessive, type 4a. Identifiers: Orphanet 99948, MedGen C1859198, MONDO:0008961, OMIM 214400.

gnomAD v4.1: 8 of 1,612,352 alleles (0.0005%); highest among the groups gnomAD compares: South Asian, 0.0066%; no homozygotes.

Submission:

Labcorp Genetics (formerly Invitae), Labcorp
Classification: Uncertain significance for Charcot-Marie-Tooth disease type 4A. Last evaluated: 2024-10-10. Review status: criteria provided, single submitter. Criteria: Invitae Variant Classification Sherloc (09022015). Collection method: clinical testing. Allele origin: germline.
Comment: This sequence change replaces serine, which is neutral and polar, with isoleucine, which is neutral and non-polar, at codon 11 of the GDAP1 protein (p.Ser11Ile). This variant is present in population databases (rs755106962, gnomAD 0.003%). This variant has not been reported in the literature in individuals affected with GDAP1-related conditions. Invitae Evidence Modeling of protein sequence and biophysical properties (such as structural, functional, and spatial information, amino acid conservation, physicochemical variation, residue mobility, and thermodynamic stability) indicates that this missense variant is not expected to disrupt GDAP1 protein function with a negative predictive value of 95%. In summary, the available evidence is currently insufficient to determine the role of this variant in disease. Therefore, it has been classified as a Variant of Uncertain Significance.